The following is an entry in ClinVar:

NM_000419.5(ITGA2B):c.1670C>G (p.Ser557Cys)

Gene: ITGA2B (integrin subunit alpha 2b; minus strand). Cytogenetic location: 17q21.31.
Variant type: single nucleotide variant.
Coding change: c.1670C>G on transcript NM_000419.5 (MANE Select); coding-DNA position 1670, C replaced by G.
Protein change: p.Ser557Cys; replaces serine 557 with cysteine.
Molecular consequence: missense variant.
Genome position (GRCh38, 1-based): chr17:44,380,084, G>C on the plus strand (C>G on the coding strand, the complement: ITGA2B is on the minus strand). VCF-style: chr17-44380084-G-C. GRCh37 (hg19) VCF-style: chr17-42457452-G-C.
Other names: c.1670C>G (NM_000419.4); short protein forms S557C.
Identifiers: ClinVar variation 2850740 (VCV002850740.5), dbSNP rs746757826, ClinGen allele CA399802316.

ClinVar aggregate classification (germline): Conflicting classifications of pathogenicity. Review status: criteria provided, conflicting classifications (1 of 4 stars). 3 submissions from 3 submitters: Likely pathogenic (1); Uncertain significance (2). Last evaluated 2025-12-19.

Conditions:
Glanzmann thrombasthenia. Also called: PLATELET GLYCOPROTEIN IIb-IIIa DEFICIENCY; THROMBASTHENIA OF GLANZMANN AND NAEGELI; Thrombasthenia; Glanzmann's thrombasthenia. Identifiers: Orphanet 849, MedGen C0040015, MONDO:0100326.
ITGA2B-related disorder. Also called: ITGA2B-related condition; ITGA2B-related disorders.

Submissions (3):

PreventionGenetics, part of Exact Sciences
Classification: Uncertain significance for ITGA2B-related condition. Last evaluated: 2025-12-19. Review status: criteria provided, single submitter. Criteria: ACMG Guidelines, 2015. Collection method: clinical testing. Allele origin: germline.
Comment: The ITGA2B c.1670C>G variant is predicted to result in the amino acid substitution p.Ser557Cys. To our knowledge, this variant has not been reported in the literature or in a large population database (gnomAD), indicating this variant is rare. At this time, the clinical significance of this variant is uncertain due to the absence of conclusive functional and genetic evidence.

Labcorp Genetics (formerly Invitae), Labcorp
Classification: Uncertain significance for Glanzmann thrombasthenia. Last evaluated: 2023-03-29. Review status: criteria provided, single submitter. Criteria: Invitae Variant Classification Sherloc (09022015). Collection method: clinical testing. Allele origin: germline.
Comment: In summary, the available evidence is currently insufficient to determine the role of this variant in disease. Therefore, it has been classified as a Variant of Uncertain Significance. Advanced modeling of protein sequence and biophysical properties (such as structural, functional, and spatial information, amino acid conservation, physicochemical variation, residue mobility, and thermodynamic stability) performed at Invitae indicates that this missense variant is not expected to disrupt ITGA2B protein function. This variant has not been reported in the literature in individuals affected with ITGA2B-related conditions. This variant is not present in population databases (gnomAD no frequency). This sequence change replaces serine, which is neutral and polar, with cysteine, which is neutral and slightly polar, at codon 557 of the ITGA2B protein (p.Ser557Cys).

Blueprint Genetics
Classification: Likely pathogenic for ITGA2B-related disorders. Last evaluated: 2020-03-17. Review status: criteria provided, single submitter. Criteria: ACMG Guidelines, 2015. Collection method: clinical testing. Allele origin: germline. Affected: yes. Observed: 3 variant alleles.